The following is an entry in ClinVar:

ClinVar aggregate classification (germline): Uncertain significance (1 of 4 stars; one submission).

gnomAD v4.1: 1 of 1,613,372 alleles (0.000062%); highest among the groups gnomAD compares: Non-Finnish European, 0.000085%; no homozygotes.

Submission:

GeneDx
Classification: Uncertain significance. Last evaluated: 2025-07-11. Review status: criteria provided, single submitter. Criteria: GeneDx Variant Classification Process June 2021. Collection method: clinical testing. Allele origin: germline. Affected: yes.
Comment: Not observed at significant frequency in large population cohorts (gnomAD); Missense variant in a gene in which most reported pathogenic variants are truncating/loss of function; Has not been previously published as pathogenic or benign to our knowledge

NM_001267550.2(TTN):c.58252G>C (p.Val19418Leu)

Genes: TTN (titin; minus strand), TTN-AS1 (TTN antisense RNA 1; plus strand). Cytogenetic location: 2q31.2.
Variant type: single nucleotide variant.
Coding change: c.58252G>C on transcript NM_001267550.2 (MANE Select); coding-DNA position 58252, G replaced by C.
Protein change: p.Val19418Leu; replaces valine 19418 with leucine.
Molecular consequence: missense variant.
Genome position (GRCh38, 1-based): chr2:178,594,141, C>G on the plus strand (G>C on the coding strand, the complement: TTN is on the minus strand). VCF-style: chr2-178594141-C-G. GRCh37 (hg19) VCF-style: chr2-179458868-C-G.
Other names: c.53329G>C, p.Val17777Leu (NM_001256850.1); c.31057G>C, p.Val10353Leu (NM_003319.4); c.50548G>C, p.Val16850Leu (NM_133378.4); c.31432G>C, p.Val10478Leu (NM_133432.3); c.31633G>C, p.Val10545Leu (NM_133437.4); short protein forms V10353L, V10478L, V10545L, V16850L, V17777L, V19418L.
Identifiers: ClinVar variation 4685287 (VCV004685287.1).